The following is an entry in ClinVar:

NM_001080449.3(DNA2):c.1081A>T (p.Met361Leu)

Gene: DNA2 (DNA replication helicase/nuclease 2; minus strand). Cytogenetic location: 10q21.3.
Variant type: single nucleotide variant.
Coding change: c.1081A>T on transcript NM_001080449.3 (MANE Select); coding-DNA position 1081, A replaced by T.
Protein change: p.Met361Leu; replaces methionine 361 with leucine.
Molecular consequence: missense variant. On other transcripts: non-coding transcript variant (1).
Genome position (GRCh38, 1-based): chr10:68,445,060, T>A on the plus strand (A>T on the coding strand, the complement: DNA2 is on the minus strand). VCF-style: chr10-68445060-T-A. GRCh37 (hg19) VCF-style: chr10-70204817-T-A.
Other names: short protein forms M361L.
Identifiers: ClinVar variation 4807284 (VCV004807284.1).

ClinVar aggregate classification (germline): Uncertain significance (1 of 4 stars; one submission).

gnomAD v4.1: 1 of 1,606,552 alleles (0.000062%); highest among the groups gnomAD compares: African/African-American, 0.0013%; no homozygotes.

Submission:

Labcorp Genetics (formerly Invitae), Labcorp
Classification: Uncertain significance. Last evaluated: 2025-07-22. Review status: criteria provided, single submitter. Criteria: Invitae Variant Classification Sherloc (09022015). Collection method: clinical testing. Allele origin: germline.
Comment: This sequence change replaces methionine, which is neutral and non-polar, with leucine, which is neutral and non-polar, at codon 361 of the DNA2 protein (p.Met361Leu). This variant is present in population databases (rs749083955, gnomAD 0.007%). This variant has not been reported in the literature in individuals affected with DNA2-related conditions. Invitae Evidence Modeling of protein sequence and biophysical properties (such as structural, functional, and spatial information, amino acid conservation, physicochemical variation, residue mobility, and thermodynamic stability) indicates that this missense variant is not expected to disrupt DNA2 protein function with a negative predictive value of 80%. In summary, the available evidence is currently insufficient to determine the role of this variant in disease. Therefore, it has been classified as a Variant of Uncertain Significance.